The following is an entry in ClinVar:

ClinVar aggregate classification (germline): Uncertain significance (1 of 4 stars; one submission).

Submission:

Laboratorio de Genetica e Diagnostico Molecular, Hospital Israelita Albert Einstein
Classification: Uncertain significance. Last evaluated: 2020-03-03. Review status: criteria provided, single submitter. Criteria: ACMG Guidelines, 2015. Collection method: clinical testing. Allele origin: germline. Affected: yes.
Comment: ACMG classification criteria: PM2, PP2

NM_000088.4(COL1A1):c.1222G>C (p.Ala408Pro)

Gene: COL1A1 (collagen type I alpha 1 chain; minus strand). Cytogenetic location: 17q21.33.
Variant type: single nucleotide variant.
Coding change: c.1222G>C on transcript NM_000088.4 (MANE Select); coding-DNA position 1222, G replaced by C.
Protein change: p.Ala408Pro; replaces alanine 408 with proline.
Molecular consequence: missense variant.
Genome position (GRCh38, 1-based): chr17:50,195,309, C>G on the plus strand (G>C on the coding strand, the complement: COL1A1 is on the minus strand). VCF-style: chr17-50195309-C-G. GRCh37 (hg19) VCF-style: chr17-48272670-C-G.
Other names: short protein forms A408P.
Identifiers: ClinVar variation 1690838 (VCV001690838.2), dbSNP rs1271856930, ClinGen allele CA400218899.